The following is an entry in ClinVar:

NM_001134888.3(RTL1):c.115A>C (p.Ser39Arg)

Gene: RTL1 (retrotransposon Gag like 1; minus strand). Cytogenetic location: 14q32.2.
Variant type: single nucleotide variant.
Coding change: c.115A>C on transcript NM_001134888.3 (MANE Select); coding-DNA position 115, A replaced by C.
Protein change: p.Ser39Arg; replaces serine 39 with arginine.
Molecular consequence: missense variant.
Genome position (GRCh38, 1-based): chr14:100,884,674, T>G on the plus strand (A>C on the coding strand, the complement: RTL1 is on the minus strand). VCF-style: chr14-100884674-T-G. GRCh37 (hg19) VCF-style: chr14-101351011-T-G.
Other names: short protein forms S39R.
Identifiers: ClinVar variation 719265 (VCV000719265.12), dbSNP rs186046088, ClinGen allele CA7347452.

ClinVar aggregate classification (germline): Likely benign. Review status: criteria provided, multiple submitters, no conflicts (2 of 4 stars). 3 submissions from 3 submitters: Likely benign (3). Last evaluated 2025-12-01.

Allele frequency attached by ClinVar (database versions not stated): ESP Exome Variant Server 0.00417; gnomAD exomes 0.00478 and 0.00371; 1000 Genomes Project 0.00300; gnomAD 0.00354; 1000 Genomes Project 30x 0.00359; ExAC 0.00368; TOPMed 0.00407.
gnomAD v4.1: 7,501 of 1,613,770 alleles (0.46%); highest among the groups gnomAD compares: Non-Finnish European, 0.55%; 22 homozygotes.

Submissions (3):

CeGaT Center for Human Genetics Tuebingen
Classification: Likely benign. Last evaluated: 2025-12-01. Review status: criteria provided, single submitter. Criteria: CeGaT Center For Human Genetics Tuebingen Variant Classification Criteria Version 2. Collection method: clinical testing. Allele origin: germline. Affected: yes. Observed: 2 variant alleles.
Comment: RTL1: BP4, BS2

Labcorp Genetics (formerly Invitae), Labcorp
Classification: Likely benign. Last evaluated: 2019-12-31. Review status: criteria provided, single submitter. Criteria: Invitae Variant Classification Sherloc (09022015). Collection method: clinical testing. Allele origin: germline.

Breakthrough Genomics
Classification: Likely benign. Review status: criteria provided, single submitter. Criteria: ACMG Guidelines, 2015. Collection method: not provided. Allele origin: germline. Inheritance: Unknown mechanism. Affected: yes.